The following is an entry in ClinVar:

NM_014270.5(SLC7A9):c.743C>A (p.Pro248His)

Gene: SLC7A9 (solute carrier family 7 member 9; minus strand). Cytogenetic location: 19q13.11.
Variant type: single nucleotide variant.
Coding change: c.743C>A on transcript NM_014270.5 (MANE Select); coding-DNA position 743, C replaced by A.
Protein change: p.Pro248His; replaces proline 248 with histidine.
Molecular consequence: missense variant.
Genome position (GRCh38, 1-based): chr19:32,860,612, G>T on the plus strand (C>A on the coding strand, the complement: SLC7A9 is on the minus strand). VCF-style: chr19-32860612-G-T. GRCh37 (hg19) VCF-style: chr19-33351518-G-T.
Other names: c.743C>A, p.Pro248His (NM_001126335.2, NM_001243036.2); short protein forms P248H.
Identifiers: ClinVar variation 3660137 (VCV003660137.2).

ClinVar aggregate classification (germline): Uncertain significance (1 of 4 stars; one submission).

Submission:

Labcorp Genetics (formerly Invitae), Labcorp
Classification: Uncertain significance. Last evaluated: 2024-07-21. Review status: criteria provided, single submitter. Criteria: Invitae Variant Classification Sherloc (09022015). Collection method: clinical testing. Allele origin: germline.
Comment: This sequence change replaces proline, which is neutral and non-polar, with histidine, which is basic and polar, at codon 248 of the SLC7A9 protein (p.Pro248His). This variant is not present in population databases (gnomAD no frequency). This variant has not been reported in the literature in individuals affected with SLC7A9-related conditions. Advanced modeling of protein sequence and biophysical properties (such as structural, functional, and spatial information, amino acid conservation, physicochemical variation, residue mobility, and thermodynamic stability) performed at Invitae indicates that this missense variant is expected to disrupt SLC7A9 protein function with a positive predictive value of 80%. In summary, the available evidence is currently insufficient to determine the role of this variant in disease. Therefore, it has been classified as a Variant of Uncertain Significance.